The following is an entry in ClinVar:

ClinVar aggregate classification (germline): Benign/Likely benign. Review status: criteria provided, multiple submitters, no conflicts (2 of 4 stars). 3 submissions from 3 submitters: Benign (1); Likely benign (2). Last evaluated 2025-12-22.

Conditions:
Dextro-looped transposition of the great arteries. Also called: Dextrotransposition of the great arteries. Identifiers: Orphanet 860, MedGen C3531771, MONDO:0019443, OMIM 608808, HP:0031348.

Allele frequency attached by ClinVar (database versions not stated): gnomAD 0.00016 and 0.00017; TOPMed 0.00016; gnomAD exomes 0.00022 and 0.00027; ESP Exome Variant Server 0.00023; ExAC 0.00026.
gnomAD v4.1: 355 of 1,614,070 alleles (0.022%); highest among the groups gnomAD compares: Non-Finnish European, 0.02%; no homozygotes.

Submissions (3):

Labcorp Genetics (formerly Invitae), Labcorp
Classification: Benign for Dextro-looped transposition of the great arteries. Last evaluated: 2025-12-22. Review status: criteria provided, single submitter. Criteria: Invitae Variant Classification Sherloc (09022015). Collection method: clinical testing. Allele origin: germline.

CeGaT Center for Human Genetics Tuebingen
Classification: Likely benign. Last evaluated: 2022-10-01. Review status: criteria provided, single submitter. Criteria: CeGaT Center For Human Genetics Tuebingen Variant Classification Criteria Version 2. Collection method: clinical testing. Allele origin: germline. Affected: yes. Observed: 1 variant allele.
Comment: MED13L: BP4, BP7

GeneDx
Classification: Likely benign. Last evaluated: 2021-03-01. Review status: criteria provided, single submitter. Criteria: GeneDx Variant Classification Process June 2021. Collection method: clinical testing. Allele origin: germline. Affected: yes.

NM_015335.5(MED13L):c.5664A>G (p.Gln1888=)

Gene: MED13L (mediator complex subunit 13L; minus strand). Cytogenetic location: 12q24.21.
Variant type: single nucleotide variant.
Coding change: c.5664A>G on transcript NM_015335.5 (MANE Select); coding-DNA position 5664, A replaced by G.
Protein change: p.Gln1888=; no amino-acid change (glutamine 1888 retained).
Molecular consequence: synonymous variant.
Genome position (GRCh38, 1-based): chr12:115,975,238, T>C on the plus strand (A>G on the coding strand, the complement: MED13L is on the minus strand). VCF-style: chr12-115975238-T-C. GRCh37 (hg19) VCF-style: chr12-116413043-T-C.
Identifiers: ClinVar variation 1254506 (VCV001254506.31), dbSNP rs143739741, ClinGen allele CA6810534.